The following is an entry in ClinVar:

NM_001563.4(IMPG1):c.1736T>C (p.Leu579Pro)

Gene: IMPG1 (interphotoreceptor matrix proteoglycan 1; minus strand). Cytogenetic location: 6q14.1.
Variant type: single nucleotide variant.
Coding change: c.1736T>C on transcript NM_001563.4 (MANE Select); coding-DNA position 1736, T replaced by C.
Protein change: p.Leu579Pro; replaces leucine 579 with proline.
Molecular consequence: missense variant.
Genome position (GRCh38, 1-based): chr6:75,950,650, A>G on the plus strand (T>C on the coding strand, the complement: IMPG1 is on the minus strand). VCF-style: chr6-75950650-A-G. GRCh37 (hg19) VCF-style: chr6-76660367-A-G.
Other names: c.1502T>C, p.Leu501Pro (NM_001282368.2); short protein forms L501P, L579P.
Identifiers: ClinVar variation 1008228 (VCV001008228.19), dbSNP rs1782008883, ClinGen allele CA364776943.

ClinVar aggregate classification (germline): Conflicting classifications of pathogenicity. Review status: criteria provided, conflicting classifications (1 of 4 stars). 4 submissions from 4 submitters: Likely pathogenic (2); Uncertain significance (1). 1 of the submissions does not count toward it. Last evaluated 2024-02-19.

Conditions:
Benign concentric annular macular dystrophy. Identifiers: Orphanet 251287, MedGen C5561925, MONDO:0007934, OMIM 153870.

Submissions (4):

3billion
Classification: Likely pathogenic for Benign concentric annular macular dystrophy. Last evaluated: 2024-02-19. Review status: criteria provided, single submitter. Criteria: ACMG Guidelines, 2015. Collection method: clinical testing. Allele origin: germline. Affected: yes.
Comment: The variant is not observed in the gnomAD v2.1.1 dataset. Predicted Consequence/Location: Missense variant In silico tool predictions suggest damaging effect of the variant on gene or gene product [REVEL: 0.78 (>=0.6, sensitivity 0.68 and specificity 0.92); 3Cnet: 0.84 (>=0.6, sensitivity 0.72 and precision 0.9)]. Same nucleotide change resulting in same amino acid change has been previously reported as pathogenic/likely pathogenic with strong evidence (ClinVar ID: VCV001008228 /PMID: 23993198). Therefore, this variant is classified as Likely pathogenic according to the recommendation of ACMG/AMP guideline.

Labcorp Genetics (formerly Invitae), Labcorp
Classification: Uncertain significance. Last evaluated: 2022-11-01. Review status: criteria provided, single submitter. Criteria: Invitae Variant Classification Sherloc (09022015). Collection method: clinical testing. Allele origin: germline.
Comment: In summary, the available evidence is currently insufficient to determine the role of this variant in disease. Therefore, it has been classified as a Variant of Uncertain Significance. Algorithms developed to predict the effect of missense changes on protein structure and function (SIFT, PolyPhen-2, Align-GVGD) all suggest that this variant is likely to be disruptive. ClinVar contains an entry for this variant (Variation ID: 1008228). This missense change has been observed in individual(s) with autosomal dominant IMPG1-related conditions (PMID: 32817297). It has also been observed to segregate with disease in related individuals. This variant is not present in population databases (gnomAD no frequency). This sequence change replaces leucine, which is neutral and non-polar, with proline, which is neutral and non-polar, at codon 579 of the IMPG1 protein (p.Leu579Pro).

SIB Swiss Institute of Bioinformatics
Classification: Likely pathogenic for Benign concentric annular macular dystrophy. Last evaluated: 2022-03-18. Review status: criteria provided, single submitter. Criteria: ACMG Guidelines, 2015. Collection method: curation. Allele origin: unknown.
Comment: This variant is interpreted as likely pathogenic for Retinitis pigmentosa 91, autosomal dominant. The following ACMG Tag(s) were applied: Absent from controls (or at extremely low frequency if recessive) in Exome Sequencing Project, 1000 Genomes Project, or Exome Aggregation Consortium (PM2); Cosegregation with disease in multiple affected family members in a gene definitively known to cause the disease (PP1 upgraded to strong); Multiple lines of computational evidence support a deleterious effect on the gene or gene product (PP3).

OMIM
Classification: Pathogenic for RETINITIS PIGMENTOSA 91. Last evaluated: 2021-09-10. Review status: no assertion criteria provided. Collection method: literature only. Allele origin: germline. Not counted in ClinVar's aggregate classification.

Literature cited by the submitters: PubMed 23993198 (cited by 3billion); PubMed 32817297 (cited by 3 submitters); PubMed 14691150 (cited by SIB Swiss Institute of Bioinformatics and OMIM); PubMed 4412179 (cited by OMIM).